The following is an entry in ClinVar:

NC_000002.11:g.(?_217339972)_(217343042_?)del

Gene: SMARCAL1 (SNF2 related chromatin remodeling annealing helicase 1; plus strand). Cytogenetic location: 2q35.
Variant type: Deletion.
Identifiers: ClinVar variation 3247221 (VCV003247221.1).

ClinVar aggregate classification (germline): Pathogenic (1 of 4 stars; one submission).

Conditions:
Schimke immuno-osseous dysplasia (SIOD). Also called: Schimke Immunoosseous Dysplasia. Identifiers: Orphanet 1830, MedGen C0877024, MONDO:0009458, OMIM 242900.

Submission:

Labcorp Genetics (formerly Invitae), Labcorp
Classification: Pathogenic for Schimke immuno-osseous dysplasia. Last evaluated: 2022-12-26. Review status: criteria provided, single submitter. Criteria: Invitae Variant Classification Sherloc (09022015). Collection method: clinical testing. Allele origin: unknown.
Comment: For these reasons, this variant has been classified as Pathogenic. This variant disrupts a region of the SMARCAL1 protein in which other variant(s) (p.Arg764Gln) have been determined to be pathogenic (PMID: 11799392, 18805831, 18974355, 22998683, 23671665). This suggests that this is a clinically significant region of the protein, and that variants that disrupt it are likely to be disease-causing. This variant has not been reported in the literature in individuals affected with SMARCAL1-related conditions. This variant is a gross deletion of the genomic region encompassing exon(s) 15-17 of the SMARCAL1 gene. This variant would be expected to be in-frame, preserving the integrity of the reading frame.

Literature cited by the submitters: PubMed 11799392; PubMed 18805831; PubMed 18974355; PubMed 22998683; PubMed 23671665.